The following is an entry in ClinVar:

NM_001375380.1(EBF3):c.*10T>C

Gene: EBF3 (EBF transcription factor 3; minus strand). Cytogenetic location: 10q26.3.
Variant type: single nucleotide variant.
Coding change: c.*10T>C on transcript NM_001375380.1 (MANE Select); 10 bases downstream of the stop codon, T replaced by C.
Molecular consequence: 3 prime UTR variant. On other transcripts: missense variant (4).
Genome position (GRCh38, 1-based): chr10:129,837,933, A>G on the plus strand (T>C on the coding strand, the complement: EBF3 is on the minus strand). VCF-style: chr10-129837933-A-G. GRCh37 (hg19) VCF-style: chr10-131636197-A-G.
Other names: c.1652T>C, p.Met551Thr (NM_001005463.3); c.1787T>C, p.Met596Thr (NM_001375379.1); c.*10T>C (NM_001375389.1, NM_001375390.1); c.1679T>C, p.Met560Thr (NM_001375391.1); c.1571T>C, p.Met524Thr (NM_001375392.1); short protein forms M524T, M551T, M560T, M596T.
Identifiers: ClinVar variation 1696154 (VCV001696154.1), dbSNP rs2133928026, ClinGen allele CA378716434.
Genomic context (GRCh38, chr10:129,837,933, plus strand): 5'-GTCCCCTGAAGTCCGTCCTTTGATGCTGGGTGCTGCGGAAGGTAAACAGAAGTCCCTCAC[A>G]TTGGCGGGACTACCAGCCCAGACATAGCTGCAAGACAGAAGGACAGAGCAGTTACTGCAG-3'

ClinVar aggregate classification (germline): Uncertain significance (1 of 4 stars; one submission).

Submission:

Women's Health and Genetics/Laboratory Corporation of America, LabCorp
Classification: Uncertain significance. Last evaluated: 2022-05-13. Review status: criteria provided, single submitter. Criteria: LabCorp Variant Classification Summary - May 2015. Collection method: clinical testing. Allele origin: germline.
Comment: Variant summary: EBF3 c.1652T>C (p.Met551Thr) results in a non-conservative amino acid change in the encoded protein sequence. Three of five in-silico tools predict a damaging effect of the variant on protein function. The variant was absent in 251414 control chromosomes (gnomAD). The available data on variant occurrences in the general population are insufficient to allow any conclusion about variant significance. To our knowledge, no occurrence of c.1652T>C in individuals affected with Hypotonia, Ataxia, And Delayed Development Syndrome and no experimental evidence demonstrating its impact on protein function have been reported. No clinical diagnostic laboratories have submitted clinical-significance assessments for this variant to ClinVar after 2014. Based on the evidence outlined above, the variant was classified as uncertain significance.